The following is an entry in ClinVar:

ClinVar aggregate classification (germline): Likely pathogenic. Review status: criteria provided, multiple submitters, no conflicts (2 of 4 stars). 4 submissions from 4 submitters: Likely pathogenic (3). 1 of the submissions does not count toward it. Last evaluated 2024-01-24.

Conditions:
Retinitis pigmentosa 39 (RP39). Identifiers: Orphanet 791, MedGen C3151138, MONDO:0013436, OMIM 613809.
Usher syndrome type 2A. Also called: RETINAL DISEASE IN USHER SYNDROME TYPE IIA, MODIFIER OF; USHER SYNDROME, TYPE IIA. Identifiers: Orphanet 231178, Orphanet 886, MedGen C1848634, MONDO:0010169, OMIM 276901.

Allele frequency attached by ClinVar (database versions not stated): TOPMed below 0.00001.

Submissions (4):

Fulgent Genetics
Classification: Likely pathogenic for Usher syndrome type 2A; Retinitis pigmentosa 39. Last evaluated: 2024-01-24. Review status: criteria provided, single submitter. Criteria: ACMG Guidelines, 2015. Collection method: clinical testing. Allele origin: germline.

Baylor Genetics
Classification: Likely pathogenic for Retinitis pigmentosa 39. Last evaluated: 2023-10-07. Review status: criteria provided, single submitter. Criteria: ACMG Guidelines, 2015. Collection method: clinical testing. Allele origin: unknown.

Labcorp Genetics (formerly Invitae), Labcorp
Classification: Likely pathogenic. Last evaluated: 2022-10-13. Review status: criteria provided, single submitter. Criteria: Invitae Variant Classification Sherloc (09022015). Collection method: clinical testing. Allele origin: germline.
Comment: Algorithms developed to predict the effect of sequence changes on RNA splicing suggest that this variant may disrupt the consensus splice site. In summary, the currently available evidence indicates that the variant is pathogenic, but additional data are needed to prove that conclusively. Therefore, this variant has been classified as Likely Pathogenic. ClinVar contains an entry for this variant (Variation ID: 1066404). This variant has not been reported in the literature in individuals affected with USH2A-related conditions. This variant is not present in population databases (gnomAD no frequency). This sequence change affects a donor splice site in intron 31 of the USH2A gene. It is expected to disrupt RNA splicing. Variants that disrupt the donor or acceptor splice site typically lead to a loss of protein function (PMID: 16199547), and loss-of-function variants in USH2A are known to be pathogenic (PMID: 10729113, 10909849, 20507924, 25649381).

Natera, Inc.
Classification: Likely pathogenic for Usher syndrome type 2A. Last evaluated: 2020-10-16. Review status: no assertion criteria provided. Collection method: clinical testing. Allele origin: germline. Not counted in ClinVar's aggregate classification.

Literature cited by the submitters: PubMed 16199547 (cited by Labcorp Genetics (formerly Invitae), Labcorp); PubMed 10729113 (cited by Labcorp Genetics (formerly Invitae), Labcorp); PubMed 10909849 (cited by Labcorp Genetics (formerly Invitae), Labcorp); PubMed 20507924 (cited by Labcorp Genetics (formerly Invitae), Labcorp); PubMed 25649381 (cited by Labcorp Genetics (formerly Invitae), Labcorp).

NM_206933.4(USH2A):c.6163+1G>A

Gene: USH2A (usherin; minus strand). Cytogenetic location: 1q41.
Variant type: single nucleotide variant.
Coding change: c.6163+1G>A on transcript NM_206933.4 (MANE Select); the canonical splice donor site of the intron after coding-DNA position 6163, G replaced by A.
Molecular consequence: splice donor variant.
Genome position (GRCh38, 1-based): chr1:216,048,533, C>T on the plus strand (G>A on the coding strand, the complement: USH2A is on the minus strand). VCF-style: chr1-216048533-C-T. GRCh37 (hg19) VCF-style: chr1-216221875-C-T.
Identifiers: ClinVar variation 1066404 (VCV001066404.10), dbSNP rs2030617696, ClinGen allele CA344859382.